The following is an entry in ClinVar:

ClinVar aggregate classification (germline): Pathogenic (1 of 4 stars; one submission).

Allele frequency attached by ClinVar (database versions not stated): gnomAD exomes 0.00001; ExAC 0.00001.
gnomAD v4.1: 3 of 1,614,224 alleles (0.00019%); highest among the groups gnomAD compares: East Asian, 0.0022%; no homozygotes.

Submission:

Labcorp Genetics (formerly Invitae), Labcorp
Classification: Pathogenic. Last evaluated: 2025-09-14. Review status: criteria provided, single submitter. Criteria: Invitae Variant Classification Sherloc (09022015). Collection method: clinical testing. Allele origin: germline.
Comment: This sequence change creates a premature translational stop signal (p.Arg839*) in the CAD gene. It is expected to result in an absent or disrupted protein product. Loss-of-function variants in CAD are known to be pathogenic (PMID: 28007989, 32117025, 32820246, 33497533). This variant is present in population databases (rs771348417, gnomAD 0.0009%). This variant has not been reported in the literature in individuals affected with CAD-related conditions. ClinVar contains an entry for this variant (Variation ID: 2048288). For these reasons, this variant has been classified as Pathogenic.

Literature cited by the submitters: PubMed 28007989; PubMed 32117025; PubMed 32820246; PubMed 33497533.

NM_004341.5(CAD):c.2515C>T (p.Arg839Ter)

Genes: CAD (carbamoyl-phosphate synthetase 2, aspartate transcarbamylase, and dihydroorotase; plus strand), LOC126806171 (BRD4-independent group 4 enhancer GRCh37_chr2:27454350-27455549; plus strand). Cytogenetic location: 2p23.3.
Variant type: single nucleotide variant.
Coding change: c.2515C>T on transcript NM_004341.5 (MANE Select); coding-DNA position 2515, C replaced by T.
Protein change: p.Arg839Ter; replaces arginine 839 with a stop codon.
Molecular consequence: nonsense.
Genome position (GRCh38, 1-based): chr2:27,232,094, C>T. VCF-style: chr2-27232094-C-T. GRCh37 (hg19) VCF-style: chr2-27454962-C-T.
Other names: c.2326C>T, p.Arg776Ter (NM_001306079.2); short protein forms R776*, R839*.
Identifiers: ClinVar variation 2048288 (VCV002048288.4), dbSNP rs771348417, ClinGen allele CA1573036.
Genomic context (GRCh38, chr2:27,232,094, plus strand): 5'-GCTGGTTATTCAGTGGACCGCCTGTATGAGCTCACACGCATCGACCGCTGGTTCCTGCAC[C>T]GAATGAAGCGTATCATCGCACATGCCCAGCTGCTAGAACAACACCGTGGACAGCCTTTGC-3'